The following is an entry in ClinVar:

NM_001041.4(SI):c.4450C>T (p.Arg1484Cys)

Gene: SI (sucrase-isomaltase; minus strand). Cytogenetic location: 3q26.1.
Variant type: single nucleotide variant.
Coding change: c.4450C>T on transcript NM_001041.4 (MANE Select); coding-DNA position 4450, C replaced by T.
Protein change: p.Arg1484Cys; replaces arginine 1484 with cysteine.
Molecular consequence: missense variant.
Genome position (GRCh38, 1-based): chr3:164,998,630, G>A on the plus strand (C>T on the coding strand, the complement: SI is on the minus strand). VCF-style: chr3-164998630-G-A. GRCh37 (hg19) VCF-style: chr3-164716418-G-A.
Other names: short protein forms R1484C.
Identifiers: ClinVar variation 1896590 (VCV001896590.3), dbSNP rs201282506, ClinGen allele CA2689913.

ClinVar aggregate classification (germline): Uncertain significance (1 of 4 stars; one submission).

Allele frequency attached by ClinVar (database versions not stated): TOPMed 0.00002; ExAC 0.00003; gnomAD exomes 0.00003; gnomAD 0.00005; ESP Exome Variant Server 0.00015; 1000 Genomes Project 0.00040; 1000 Genomes Project 30x 0.00062.
gnomAD v4.1: 53 of 1,611,368 alleles (0.0033%); highest among the groups gnomAD compares: Non-Finnish European, 0.0042%; no homozygotes.

Submission:

Labcorp Genetics (formerly Invitae), Labcorp
Classification: Uncertain significance. Last evaluated: 2024-02-02. Review status: criteria provided, single submitter. Criteria: Invitae Variant Classification Sherloc (09022015). Collection method: clinical testing. Allele origin: germline.
Comment: This sequence change replaces arginine, which is basic and polar, with cysteine, which is neutral and slightly polar, at codon 1484 of the SI protein (p.Arg1484Cys). This variant is present in population databases (rs201282506, gnomAD 0.01%). This variant has not been reported in the literature in individuals affected with SI-related conditions. ClinVar contains an entry for this variant (Variation ID: 1896590). Advanced modeling of protein sequence and biophysical properties (such as structural, functional, and spatial information, amino acid conservation, physicochemical variation, residue mobility, and thermodynamic stability) has been performed at Invitae for this missense variant, however the output from this modeling did not meet the statistical confidence thresholds required to predict the impact of this variant on SI protein function. In summary, the available evidence is currently insufficient to determine the role of this variant in disease. Therefore, it has been classified as a Variant of Uncertain Significance.